The following is an entry in ClinVar:

ClinVar aggregate classification (germline): Uncertain significance (1 of 4 stars; one submission).

Conditions:
Charcot-Marie-Tooth disease type 4. Also called: Charcot-Marie-Tooth disease, type IV; Charcot-Marie-Tooth, Type 4. Identifiers: Orphanet 64749, MedGen C4082197, MONDO:0018995.

Allele frequency attached by ClinVar (database versions not stated): gnomAD exomes below 0.00001 and 0.00001; ExAC 0.00002; TOPMed 0.00002.
gnomAD v4.1: 7 of 1,614,124 alleles (0.00043%); highest among the groups gnomAD compares: African/African-American, 0.0027%; no homozygotes.

Submission:

Labcorp Genetics (formerly Invitae), Labcorp
Classification: Uncertain significance for Charcot-Marie-Tooth disease type 4. Last evaluated: 2021-08-31. Review status: criteria provided, single submitter. Criteria: Invitae Variant Classification Sherloc (09022015). Collection method: clinical testing. Allele origin: germline.
Comment: This sequence change replaces glutamic acid with lysine at codon 1102 of the SBF2 protein (p.Glu1102Lys). The glutamic acid residue is moderately conserved and there is a small physicochemical difference between glutamic acid and lysine. This variant is present in population databases (rs778262784, ExAC 0.009%). This variant has not been reported in the literature in individuals affected with SBF2-related conditions. ClinVar contains an entry for this variant (Variation ID: 476924). Algorithms developed to predict the effect of missense changes on protein structure and function (SIFT, PolyPhen-2, Align-GVGD) all suggest that this variant is likely to be tolerated. In summary, the available evidence is currently insufficient to determine the role of this variant in disease. Therefore, it has been classified as a Variant of Uncertain Significance.

NM_030962.4(SBF2):c.3304G>A (p.Glu1102Lys)

Genes: SBF2 (SET binding factor 2; minus strand), LOC101928008 (uncharacterized LOC101928008; plus strand). Cytogenetic location: 11p15.4.
Variant type: single nucleotide variant.
Coding change: c.3304G>A on transcript NM_030962.4 (MANE Select); coding-DNA position 3304, G replaced by A.
Protein change: p.Glu1102Lys; replaces glutamic acid 1102 with lysine.
Molecular consequence: missense variant.
Genome position (GRCh38, 1-based): chr11:9,839,649, C>T on the plus strand (G>A on the coding strand, the complement: SBF2 is on the minus strand). VCF-style: chr11-9839649-C-T. GRCh37 (hg19) VCF-style: chr11-9861196-C-T.
Other names: c.3304G>A, p.Glu1102Lys (NM_001386339.1); c.3175G>A, p.Glu1059Lys (NM_001386342.1); short protein forms E1102K, E1059K.
Identifiers: ClinVar variation 476924 (VCV000476924.6), dbSNP rs778262784, ClinGen allele CA5881307.